The following is an entry in ClinVar:

ClinVar aggregate classification (germline): Likely benign (1 of 4 stars; one submission).

Allele frequency attached by ClinVar (database versions not stated): gnomAD 0.00002; gnomAD exomes 0.00002; TOPMed 0.00002.
gnomAD v4.1: 38 of 1,613,794 alleles (0.0024%); highest among the groups gnomAD compares: Non-Finnish European, 0.0032%; no homozygotes.

Submission:

CeGaT Center for Human Genetics Tuebingen
Classification: Likely benign. Last evaluated: 2024-05-01. Review status: criteria provided, single submitter. Criteria: CeGaT Center For Human Genetics Tuebingen Variant Classification Criteria Version 2. Collection method: clinical testing. Allele origin: germline. Affected: yes. Observed: 1 variant allele.
Comment: UPK3A: BP4, BP7

NM_006953.4(UPK3A):c.510T>C (p.Asn170=)

Gene: UPK3A (uroplakin 3A; plus strand). Cytogenetic location: 22q13.31.
Variant type: single nucleotide variant.
Coding change: c.510T>C on transcript NM_006953.4 (MANE Select); coding-DNA position 510, T replaced by C.
Protein change: p.Asn170=; no amino-acid change (asparagine 170 retained).
Molecular consequence: synonymous variant. On other transcripts: intron variant (1).
Genome position (GRCh38, 1-based): chr22:45,289,082, T>C. VCF-style: chr22-45289082-T-C. GRCh37 (hg19) VCF-style: chr22-45684963-T-C.
Other names: c.208+2986T>C (NM_001167574.2).
Identifiers: ClinVar variation 3239289 (VCV003239289.19), dbSNP rs777225302.